The following is an entry in ClinVar:

ClinVar aggregate classification (germline): Conflicting classifications of pathogenicity. Review status: criteria provided, conflicting classifications (1 of 4 stars). 2 submissions from 2 submitters: Uncertain significance (1); Likely benign (1). Last evaluated 2024-04-15.

Conditions:
Inborn genetic diseases. Identifiers: MedGen C0950123, MeSH D030342.
Familial episodic pain syndrome with predominantly lower limb involvement. Also called: Episodic pain syndrome, familial, 3. Identifiers: Orphanet 391384, Orphanet 391392, MedGen C3809899, MONDO:0014247, OMIM 615552.
Hereditary sensory and autonomic neuropathy type 7. Also called: HSAN VII; Neuropathy, hereditary sensory and autonomic, type VII. Identifiers: Orphanet 391397, MedGen C3809882, MONDO:0014244, OMIM 615548.

Allele frequency attached by ClinVar (database versions not stated): gnomAD exomes below 0.00001; ExAC 0.00001; gnomAD 0.00001; TOPMed 0.00001.
gnomAD v4.1: 6 of 1,614,004 alleles (0.00037%); highest among the groups gnomAD compares: East Asian, 0.011%; no homozygotes.

Submissions (2):

Labcorp Genetics (formerly Invitae), Labcorp
Classification: Uncertain significance for Familial episodic pain syndrome with predominantly lower limb involvement; Hereditary sensory and autonomic neuropathy type 7. Last evaluated: 2024-04-15. Review status: criteria provided, single submitter. Criteria: Invitae Variant Classification Sherloc (09022015). Collection method: clinical testing. Allele origin: germline.
Comment: This sequence change replaces phenylalanine, which is neutral and non-polar, with leucine, which is neutral and non-polar, at codon 261 of the SCN11A protein (p.Phe261Leu). This variant is present in population databases (rs771965444, gnomAD 0.02%). This variant has not been reported in the literature in individuals affected with SCN11A-related conditions. Advanced modeling of protein sequence and biophysical properties (such as structural, functional, and spatial information, amino acid conservation, physicochemical variation, residue mobility, and thermodynamic stability) performed at Invitae indicates that this missense variant is not expected to disrupt SCN11A protein function with a negative predictive value of 80%. In summary, the available evidence is currently insufficient to determine the role of this variant in disease. Therefore, it has been classified as a Variant of Uncertain Significance.

Ambry Genetics
Classification: Likely benign for Inborn genetic diseases. Last evaluated: 2024-03-15. Review status: criteria provided, single submitter. Criteria: Ambry Variant Classification Scheme 2023. Collection method: clinical testing. Allele origin: germline.

NM_001349253.2(SCN11A):c.781T>C (p.Phe261Leu)

Gene: SCN11A (sodium voltage-gated channel alpha subunit 11; minus strand). Cytogenetic location: 3p22.2.
Variant type: single nucleotide variant.
Coding change: c.781T>C on transcript NM_001349253.2 (MANE Select); coding-DNA position 781, T replaced by C.
Protein change: p.Phe261Leu; replaces phenylalanine 261 with leucine.
Molecular consequence: missense variant.
Genome position (GRCh38, 1-based): chr3:38,921,187, A>G on the plus strand (T>C on the coding strand, the complement: SCN11A is on the minus strand). VCF-style: chr3-38921187-A-G. GRCh37 (hg19) VCF-style: chr3-38962678-A-G.
Other names: c.781T>C (NM_014139.2); c.781T>C, p.Phe261Leu (NM_014139.3); short protein forms F261L.
Identifiers: ClinVar variation 2937359 (VCV002937359.4), dbSNP rs771965444, ClinGen allele CA2322506.
Genomic context (GRCh38, chr3:38,921,187, plus strand): 5'-GGTTCAGACTTCCCATGAAGAGCTGCTGACCTACCAGGGCAAAGATGCTGAGGCAAAAGA[A>G]GGTGAGGATAATCACGTTGACCAGCTTCTTCACAGAGCGTAGCAAGGCCCCCACGATGAC-3'
Protein context (NP_001336182.1, residues 251-271): KKLVNVIILT[Phe261Leu]FCLSIFALVG